The following is an entry in ClinVar:

NM_005502.4(ABCA1):c.420delA (p.Asn141fs)

Gene: ABCA1 (ATP binding cassette subfamily A member 1; minus strand). Cytogenetic location: 9q31.1.
Variant type: Deletion.
Coding change: c.420delA on transcript NM_005502.4 (MANE Select); coding-DNA position 420, one base deleted (A).
Protein change: p.Asn141fs; shifts the reading frame from asparagine 141.
Molecular consequence: frameshift variant.
Genome position (GRCh38, 1-based): chr9:104,883,039, T deleted on the plus strand (A on the coding strand, the reverse complement: ABCA1 is on the minus strand); the first of 2 consecutive T bases (chr9:104,883,039-104,883,040); deleting either gives the same sequence. VCF-style (leftmost placement, unchanged base first): chr9-104883038-CT-C. GRCh37 (hg19) VCF-style: chr9-107645319-CT-C.
Other names: short protein forms N141fs.
Identifiers: ClinVar variation 3673493 (VCV003673493.2).

ClinVar aggregate classification (germline): Pathogenic (1 of 4 stars; one submission).

Submission:

Labcorp Genetics (formerly Invitae), Labcorp
Classification: Pathogenic. Last evaluated: 2024-06-13. Review status: criteria provided, single submitter. Criteria: Invitae Variant Classification Sherloc (09022015). Collection method: clinical testing. Allele origin: germline.
Comment: This sequence change creates a premature translational stop signal (p.Asn141Thrfs*2) in the ABCA1 gene. It is expected to result in an absent or disrupted protein product. Loss-of-function variants in ABCA1 are known to be pathogenic (PMID: 10525055, 10760292, 20880529). This variant is not present in population databases (gnomAD no frequency). This variant has not been reported in the literature in individuals affected with ABCA1-related conditions. Algorithms developed to predict the effect of sequence changes on RNA splicing suggest that this variant may disrupt the consensus splice site. For these reasons, this variant has been classified as Pathogenic.

Literature cited by the submitters: PubMed 10525055; PubMed 10760292; PubMed 20880529.